The following is an entry in ClinVar:

ClinVar aggregate classification (germline): Conflicting classifications of pathogenicity. Review status: criteria provided, conflicting classifications (1 of 4 stars). 2 submissions from 2 submitters: Uncertain significance (1); Likely benign (1). Last evaluated 2026-01-13.

Conditions:
Hereditary cancer-predisposing syndrome. Also called: Hereditary Cancer Syndrome; Tumor predisposition; Neoplastic Syndromes, Hereditary; Hereditary neoplastic syndrome. Identifiers: Orphanet 140162, MedGen C0027672, MeSH D009386, MONDO:0015356.
Gastrointestinal stromal tumor. Also called: Gastrointestinal stromal tumor, somatic; Gastrointestinal stroma tumor. Identifiers: Orphanet 44890, MedGen C0238198, MeSH D046152, MONDO:0011719, OMIM 606764, HP:0100723.

Allele frequency attached by ClinVar (database versions not stated): gnomAD 0.00001.
gnomAD v4.1: 7 of 1,613,442 alleles (0.00043%); highest among the groups gnomAD compares: East Asian, 0.0045%; no homozygotes.

Submissions (2):

Labcorp Genetics (formerly Invitae), Labcorp
Classification: Uncertain significance for Gastrointestinal stromal tumor. Last evaluated: 2026-01-13. Review status: criteria provided, single submitter. Criteria: Invitae Variant Classification Sherloc (09022015). Collection method: clinical testing. Allele origin: germline.
Comment: This sequence change replaces valine, which is neutral and non-polar, with leucine, which is neutral and non-polar, at codon 140 of the PDGFRA protein (p.Val140Leu). This variant is present in population databases (rs574683248, gnomAD 0.0009%). This variant has not been reported in the literature in individuals affected with PDGFRA-related conditions. ClinVar contains an entry for this variant (Variation ID: 581687). An algorithm developed to predict the effect of missense changes on protein structure and function (PolyPhen-2) suggests that this variant is likely to be tolerated. In summary, the available evidence is currently insufficient to determine the role of this variant in disease. Therefore, it has been classified as a Variant of Uncertain Significance.

Ambry Genetics
Classification: Likely benign for Hereditary cancer-predisposing syndrome. Last evaluated: 2024-12-20. Review status: criteria provided, single submitter. Criteria: Ambry Variant Classification Scheme 2023. Collection method: clinical testing. Allele origin: germline.

NM_006206.6(PDGFRA):c.418G>T (p.Val140Leu)

Gene: PDGFRA (platelet derived growth factor receptor alpha; plus strand). Cytogenetic location: 4q12.
Variant type: single nucleotide variant.
Coding change: c.418G>T on transcript NM_006206.6 (MANE Select); coding-DNA position 418, G replaced by T.
Protein change: p.Val140Leu; replaces valine 140 with leucine.
Molecular consequence: missense variant.
Genome position (GRCh38, 1-based): chr4:54,263,717, G>T. VCF-style: chr4-54263717-G-T. GRCh37 (hg19) VCF-style: chr4-55129884-G-T.
Other names: c.418G>T, p.Val140Leu (NM_001347827.2, NM_001347829.2); c.493G>T, p.Val165Leu (NM_001347828.2); c.457G>T, p.Val153Leu (NM_001347830.2); short protein forms V140L, V153L, V165L.
Identifiers: ClinVar variation 581687 (VCV000581687.10), dbSNP rs574683248, ClinGen allele CA2922288.
Genomic context (GRCh38, chr4:54,263,717, plus strand): 5'-TAAACCACAGACCCAGATGTAGCCTTTGTACCTCTAGGAATGACGGATTATTTAGTCATC[G>T]TGGAGGATGATGATTCTGCCATTATACCTTGTCGCACAACTGATCCCGAGACTCCTGTAA-3'
Protein context (NP_006197.1, residues 130-150): PLGMTDYLVI[Val140Leu]EDDDSAIIPC